The following is an entry in ClinVar:

ClinVar aggregate classification (germline): Uncertain significance (1 of 4 stars; one submission).

Conditions:
Combined immunodeficiency due to LRBA deficiency. Also called: Common variable immunodeficiency 8, with autoimmunity. Identifiers: Orphanet 445018, MedGen C3553512, MONDO:0013863, OMIM 614700.

Submission:

Labcorp Genetics (formerly Invitae), Labcorp
Classification: Uncertain significance for Combined immunodeficiency due to LRBA deficiency. Last evaluated: 2021-04-16. Review status: criteria provided, single submitter. Criteria: Invitae Variant Classification Sherloc (09022015). Collection method: clinical testing. Allele origin: germline.
Comment: This variant is not present in population databases (ExAC no frequency). This sequence change replaces proline with arginine at codon 2320 of the LRBA protein (p.Pro2320Arg). The proline residue is highly conserved and there is a moderate physicochemical difference between proline and arginine. This variant has not been reported in the literature in individuals with LRBA-related conditions. In summary, the available evidence is currently insufficient to determine the role of this variant in disease. Therefore, it has been classified as a Variant of Uncertain Significance. Algorithms developed to predict the effect of missense changes on protein structure and function are either unavailable or do not agree on the potential impact of this missense change (SIFT: "Deleterious"; PolyPhen-2: "Probably Damaging"; Align-GVGD: "Class C0").

NM_001364905.1(LRBA):c.6926C>G (p.Pro2309Arg)

Gene: LRBA (LPS responsive beige-like anchor protein; minus strand). Cytogenetic location: 4q31.3.
Variant type: single nucleotide variant.
Coding change: c.6926C>G on transcript NM_001364905.1 (MANE Select); coding-DNA position 6926, C replaced by G.
Protein change: p.Pro2309Arg; replaces proline 2309 with arginine.
Molecular consequence: missense variant.
Genome position (GRCh38, 1-based): chr4:150,435,704, G>C on the plus strand (C>G on the coding strand, the complement: LRBA is on the minus strand). VCF-style: chr4-150435704-G-C. GRCh37 (hg19) VCF-style: chr4-151356856-G-C.
Other names: c.6926C>G, p.Pro2309Arg (NM_001199282.3, NM_001367550.1); c.6959C>G, p.Pro2320Arg (NM_006726.5); short protein forms P2309R, P2320R.
Identifiers: ClinVar variation 1478042 (VCV001478042.8), dbSNP rs1437594316, ClinGen allele CA358600241.